The following is an entry in ClinVar:

NM_000492.4(CFTR):c.2476G>A (p.Glu826Lys)

Gene: CFTR (CF transmembrane conductance regulator; plus strand). Cytogenetic location: 7q31.2.
Variant type: single nucleotide variant.
Coding change: c.2476G>A on transcript NM_000492.4 (MANE Select); coding-DNA position 2476, G replaced by A.
Protein change: p.Glu826Lys; replaces glutamic acid 826 with lysine.
Molecular consequence: missense variant.
Genome position (GRCh38, 1-based): chr7:117,592,643, G>A. VCF-style: chr7-117592643-G-A. GRCh37 (hg19) VCF-style: chr7-117232697-G-A.
Other names: short protein forms E826K.
Identifiers: ClinVar variation 53495 (VCV000053495.24), dbSNP rs397508381, ClinGen allele CA326824.
Genomic context (GRCh38, chr7:117,592,643, plus strand): 5'-GATATATATTCAAGAAGGTTATCTCAAGAAACTGGCTTGGAAATAAGTGAAGAAATTAAC[G>A]AAGAAGACTTAAAGGTAGGTATACATCGCTTGGGGGTATTTCACCCCACAGAATGCAATT-3'
Protein context (NP_000483.3, residues 816-836): TGLEISEEIN[Glu826Lys]EDLKECFFDD

ClinVar aggregate classification (germline): Uncertain significance. Review status: criteria provided, multiple submitters, no conflicts (2 of 4 stars). 9 submissions from 9 submitters: Uncertain significance (6). 3 of the submissions do not count toward it. Last evaluated 2026-04-29.

Conditions:
CFTR-related disorder (CFTR-RD). Also called: CFTR-related disorders; CFTR-related condition. Identifiers: MedGen C5924204, MONDO:7770004.
Cystic fibrosis (CF). Also called: MUCOVISCIDOSIS. Identifiers: Orphanet 586, MedGen C0010674, MONDO:0009061, OMIM 219700. Disease mechanism: loss of function.
Congenital bilateral aplasia of vas deferens from CFTR mutation (CBAVD). Identifiers: Orphanet 48, MedGen C0403814, MONDO:0010178, OMIM 277180. Disease mechanism: loss of function.

Allele frequency attached by ClinVar (database versions not stated): ExAC 0.00002; gnomAD exomes 0.00003 and 0.00001; TOPMed 0.00002.
gnomAD v4.1: 18 of 1,542,024 alleles (0.0012%); highest among the groups gnomAD compares: Non-Finnish European, 0.0013%; no homozygotes.

Submissions (9):

Women's Health and Genetics/Laboratory Corporation of America, LabCorp
Classification: Uncertain significance. Last evaluated: 2026-04-29. Review status: criteria provided, single submitter. Criteria: LabCorp Variant Classification Summary - May 2015. Collection method: clinical testing. Allele origin: germline.
Comment: Variant summary: CFTR c.2476G>A (p.Glu826Lys) results in a conservative amino acid change located in the CFTR regulator domain of the encoded protein sequence. Algorithms developed to predict the effect of missense changes on protein structure and function are either unavailable or do not agree on the potential impact of this missense change. The variant allele was found at a frequency of 2.6e-05 in 192496 control chromosomes. The available data on variant occurrences in the general population are insufficient to allow any conclusion about variant significance. c.2476G>A has been reported in the literature in control individuals (Morea 2005, Tzetis 2007), in a CF patient (Prontera 2016), and in a sarcoidosis patient (Bombieri 1998). These report(s) do not provide unequivocal conclusions about association of the variant with Cystic Fibrosis. At-least one co-occurrence in cis with other pathogenic variant(s) have been reported (CFTR c.5T_TG12; CFTR c.3308T>A, p.I1103K), providing supporting evidence for a benign role (Claustres 2017, CFTR-France database, Prontera_2016). At least two publications report experimental evidence evaluating an impact on protein function. While the variant did not affect the protein maturation, it was reported to result in a slightly lower open channel probability, however single channel conductances were not different from the wild-type (Wei 1998, Vankeerberghen 1998). The following publications have been ascertained in the context of this evaluation (PMID: 9921909, 28603918, 16126774, 27728908, 17489851, 9736778, 9849891). ClinVar contains an entry for this variant (Variation ID: 53495). Based on the evidence outlined above, the variant was classified as uncertain significance.

Institute of Immunology and Genetics Kaiserslautern
Classification: Uncertain significance for Cystic fibrosis; Congenital bilateral aplasia of vas deferens from CFTR mutation. Last evaluated: 2026-03-25. Review status: criteria provided, single submitter. Criteria: ACMG Guidelines, 2015. Collection method: clinical testing. Allele origin: germline. Affected: yes.
Comment: ACMG Criteria: PM2_P, PP3; Variant was found in heterozygous state together with another CFTR variant: CFTR(NM_000492.4):c.3119T>C

Ambry Genetics
Classification: Uncertain significance for Cystic fibrosis. Last evaluated: 2025-08-19. Review status: criteria provided, single submitter. Criteria: Ambry Variant Classification Scheme 2023. Collection method: clinical testing. Allele origin: germline.
Comment: The p.E826K variant (also known as c.2476G>A), located in coding exon 14 of the CFTR gene, results from a G to A substitution at nucleotide position 2476. The glutamic acid at codon 826 is replaced by lysine, an amino acid with similar properties. This alteration was detected in heterozygous state in an individual with sarcoidosis, who did not have a second CFTR variant identified (Bombieri C et al. Hum. Genet., 1998 Dec;103:718-22). In vitro studies did not find significant difference between the mutant and wild type (Wei L et al. FEBS Lett., 1998 Nov;439:121-6; Vankeerberghen A et al. Hum. Mol. Genet., 1998 Oct;7:1761-9). This amino acid position is highly conserved in available vertebrate species. In addition, this alteration is predicted to be deleterious by in silico analysis. Based on the available evidence, the clinical significance of this variant remains unclear.

Labcorp Genetics (formerly Invitae), Labcorp
Classification: Uncertain significance for Cystic fibrosis. Last evaluated: 2024-12-16. Review status: criteria provided, single submitter. Criteria: Invitae Variant Classification Sherloc (09022015). Collection method: clinical testing. Allele origin: germline.
Comment: This sequence change replaces glutamic acid, which is acidic and polar, with lysine, which is basic and polar, at codon 826 of the CFTR protein (p.Glu826Lys). This variant is present in population databases (rs397508381, gnomAD 0.004%). This missense change has been observed in individual(s) with cystic fibrosis (PMID: 27728908, 28603918). ClinVar contains an entry for this variant (Variation ID: 53495). Invitae Evidence Modeling of protein sequence and biophysical properties (such as structural, functional, and spatial information, amino acid conservation, physicochemical variation, residue mobility, and thermodynamic stability) indicates that this missense variant is expected to disrupt CFTR protein function with a positive predictive value of 80%. Experimental studies have shown that this missense change affects CFTR function (PMID: 9736778, 9849891). In summary, the available evidence is currently insufficient to determine the role of this variant in disease. Therefore, it has been classified as a Variant of Uncertain Significance.

Genome-Nilou Lab
Classification: Uncertain significance for Cystic fibrosis. Last evaluated: 2021-09-05. Review status: criteria provided, single submitter. Criteria: ACMG Guidelines, 2015. Collection method: clinical testing. Allele origin: germline. Affected: no.

Mayo Clinic Laboratories, Mayo Clinic
Classification: Uncertain significance. Last evaluated: 2019-04-23. Review status: criteria provided, single submitter. Criteria: ACMG Guidelines, 2015. Collection method: clinical testing. Allele origin: germline. Observed: 1 variant allele.

Natera, Inc.
Classification: Uncertain significance for CFTR-related disorders. Last evaluated: 2020-08-20. Review status: no assertion criteria provided. Collection method: clinical testing. Allele origin: germline. Not counted in ClinVar's aggregate classification.

Counsyl
Classification: Uncertain significance for Cystic fibrosis. Last evaluated: 2017-11-09. Review status: no assertion criteria provided. Collection method: clinical testing. Allele origin: unknown. Not counted in ClinVar's aggregate classification.

ClinVar Staff, National Center for Biotechnology Information (NCBI)
No classification provided. Condition: CFTR-related disorders. Review status: no classification provided. Collection method: literature only. Allele origin: germline. Affected: yes. Not counted in ClinVar's aggregate classification.

Literature cited by the submitters: PubMed 9921909 (cited by Women's Health and Genetics/Laboratory Corporation of America, LabCorp and Ambry Genetics); PubMed 16126774 (cited by Women's Health and Genetics/Laboratory Corporation of America, LabCorp); PubMed 17489851 (cited by Women's Health and Genetics/Laboratory Corporation of America, LabCorp); PubMed 9736778 (cited by 4 submitters); PubMed 27728908 (cited by 3 submitters); PubMed 28603918 (cited by Women's Health and Genetics/Laboratory Corporation of America, LabCorp and Labcorp Genetics (formerly Invitae), Labcorp); PubMed 9849891 (cited by 5 submitters).